The following is an entry in ClinVar:

ClinVar aggregate classification (germline): Uncertain significance (1 of 4 stars; one submission).

Conditions:
Developmental and epileptic encephalopathy, 1 (DEE1). Also called: X-linked infantile spasms; West's syndrome; Tonic spasms with clustering, arrest of psychomotor development and hypsarrhythmia on EEG; X-Linked Infantile Spasm Syndrome; OHTAHARA SYNDROME, X-LINKED; INFANTILE SPASM SYNDROME, X-LINKED 1. Identifiers: MedGen C3463992, MONDO:0010632, OMIM 308350. Disease mechanism: loss of function.
Autosomal dominant nonsyndromic hearing loss 65. Also called: TBC1D24-Related Autosomal Dominant Nonsyndromic Hearing Loss (DFNA); Deafness, autosomal dominant 65. Identifiers: Orphanet 90635, MedGen C3892048, MONDO:0014470, OMIM 616044.

Submission:

Labcorp Genetics (formerly Invitae), Labcorp
Classification: Uncertain significance for Developmental and epileptic encephalopathy, 1; Autosomal dominant nonsyndromic hearing loss 65. Last evaluated: 2021-09-18. Review status: criteria provided, single submitter. Criteria: Invitae Variant Classification Sherloc (09022015). Collection method: clinical testing. Allele origin: germline.
Comment: In summary, the available evidence is currently insufficient to determine the role of this variant in disease. Therefore, it has been classified as a Variant of Uncertain Significance. Advanced modeling of protein sequence and biophysical properties (such as structural, functional, and spatial information, amino acid conservation, physicochemical variation, residue mobility, and thermodynamic stability) performed at Invitae indicates that this missense variant is not expected to disrupt TBC1D24 protein function. This variant has not been reported in the literature in individuals affected with TBC1D24-related conditions. This variant is not present in population databases (ExAC no frequency). This sequence change replaces serine with asparagine at codon 72 of the TBC1D24 protein (p.Ser72Asn). The serine residue is moderately conserved and there is a small physicochemical difference between serine and asparagine.

NM_001199107.2(TBC1D24):c.215G>A (p.Ser72Asn)

Gene: TBC1D24 (TBC1 domain family member 24; plus strand). Cytogenetic location: 16p13.3.
Variant type: single nucleotide variant.
Coding change: c.215G>A on transcript NM_001199107.2 (MANE Select); coding-DNA position 215, G replaced by A.
Protein change: p.Ser72Asn; replaces serine 72 with asparagine.
Molecular consequence: missense variant.
Genome position (GRCh38, 1-based): chr16:2,496,363, G>A. VCF-style: chr16-2496363-G-A. GRCh37 (hg19) VCF-style: chr16-2546364-G-A.
Other names: c.215G>A, p.Ser72Asn (NM_020705.3); short protein forms S72N.
Identifiers: ClinVar variation 1382071 (VCV001382071.6), dbSNP rs2141871042, ClinGen allele CA394375020.
Genomic context (GRCh38, chr16:2,496,363, plus strand): 5'-GAAAGGTGTACCAGCGCCTGATCCGGGACATTCCCTGCCGCACGGTCACGCCTGACGCCA[G>A]CGTGTACAGCGACATCGTGGGCAAGATCGTGGGCAAGCACAGCAGCAGCTGCCTGCCGCT-3'
Protein context (NP_001186036.1, residues 62-82): IPCRTVTPDA[Ser72Asn]VYSDIVGKIV